The following is an entry in ClinVar:

NM_001375524.1(TRRAP):c.367A>G (p.Thr123Ala)

Gene: TRRAP (transformation/transcription domain associated protein; plus strand). Cytogenetic location: 7q22.1.
Variant type: single nucleotide variant.
Coding change: c.367A>G on transcript NM_001375524.1 (MANE Select); coding-DNA position 367, A replaced by G.
Protein change: p.Thr123Ala; replaces threonine 123 with alanine.
Molecular consequence: missense variant.
Genome position (GRCh38, 1-based): chr7:98,893,798, A>G. VCF-style: chr7-98893798-A-G. GRCh37 (hg19) VCF-style: chr7-98491421-A-G.
Other names: c.367A>G (NM_003496.3, NM_001244580.1); c.367A>G, p.Thr123Ala (NM_001244580.2, NM_003496.4); short protein forms T123A.
Identifiers: ClinVar variation 2416686 (VCV002416686.8), dbSNP rs782721692, ClinGen allele CA4359223.

ClinVar aggregate classification (germline): Uncertain significance. Review status: criteria provided, multiple submitters, no conflicts (2 of 4 stars). 3 submissions from 3 submitters: Uncertain significance (3). Last evaluated 2025-07-17.

Conditions:
TRRAP-related disorder. Also called: TRRAP-related condition.
Inborn genetic diseases. Identifiers: MedGen C0950123, MeSH D030342.

Allele frequency attached by ClinVar (database versions not stated): ExAC 0.00001; gnomAD exomes 0.00001; TOPMed 0.00001; gnomAD 0.00002.
gnomAD v4.1: 18 of 1,611,516 alleles (0.0011%); highest among the groups gnomAD compares: African/African-American, 0.0054%; no homozygotes.

Submissions (3):

PreventionGenetics, part of Exact Sciences
Classification: Uncertain significance for TRRAP-related condition. Last evaluated: 2025-07-17. Review status: criteria provided, single submitter. Criteria: ACMG Guidelines, 2015. Collection method: clinical testing. Allele origin: germline.
Comment: The TRRAP c.367A>G variant is predicted to result in the amino acid substitution p.Thr123Ala. To our knowledge, this variant has not been reported in the literature. This variant is reported in 0.012% of alleles in individuals of African descent in gnomAD. Although we suspect that this variant may be benign, at this time, the clinical significance of this variant is uncertain due to the absence of conclusive functional and genetic evidence.

Ambry Genetics
Classification: Uncertain significance for Inborn genetic diseases. Last evaluated: 2025-06-24. Review status: criteria provided, single submitter. Criteria: Ambry Variant Classification Scheme 2023. Collection method: clinical testing. Allele origin: germline.

Labcorp Genetics (formerly Invitae), Labcorp
Classification: Uncertain significance. Last evaluated: 2024-09-05. Review status: criteria provided, single submitter. Criteria: Invitae Variant Classification Sherloc (09022015). Collection method: clinical testing. Allele origin: germline.
Comment: This sequence change replaces threonine, which is neutral and polar, with alanine, which is neutral and non-polar, at codon 123 of the TRRAP protein (p.Thr123Ala). This variant is present in population databases (rs782721692, gnomAD 0.01%). This variant has not been reported in the literature in individuals affected with TRRAP-related conditions. ClinVar contains an entry for this variant (Variation ID: 2416686). An algorithm developed to predict the effect of missense changes on protein structure and function (PolyPhen-2) suggests that this variant is likely to be tolerated. In summary, the available evidence is currently insufficient to determine the role of this variant in disease. Therefore, it has been classified as a Variant of Uncertain Significance.